The following is an entry in ClinVar:

NM_001080516.2(GRXCR2):c.667T>C (p.Phe223Leu)

Gene: GRXCR2 (glutaredoxin and cysteine rich domain containing 2; minus strand). Cytogenetic location: 5q32.
Variant type: single nucleotide variant.
Coding change: c.667T>C on transcript NM_001080516.2 (MANE Select); coding-DNA position 667, T replaced by C.
Protein change: p.Phe223Leu; replaces phenylalanine 223 with leucine.
Molecular consequence: missense variant.
Genome position (GRCh38, 1-based): chr5:145,859,813, A>G on the plus strand (T>C on the coding strand, the complement: GRXCR2 is on the minus strand). VCF-style: chr5-145859813-A-G. GRCh37 (hg19) VCF-style: chr5-145239376-A-G.
Other names: c.667T>C (NM_001080516.1); short protein forms F223L.
Identifiers: ClinVar variation 1946894 (VCV001946894.6), dbSNP rs763644996, ClinGen allele CA3487932.

ClinVar aggregate classification (germline): Uncertain significance. Review status: criteria provided, multiple submitters, no conflicts (2 of 4 stars). 2 submissions from 2 submitters: Uncertain significance (2). Last evaluated 2024-10-29.

Allele frequency attached by ClinVar (database versions not stated): ExAC 0.00001; gnomAD exomes 0.00002.

Submissions (2):

Ambry Genetics
Classification: Uncertain significance. Last evaluated: 2024-10-29. Review status: criteria provided, single submitter. Criteria: Ambry Variant Classification Scheme 2023. Collection method: clinical testing. Allele origin: germline.

Labcorp Genetics (formerly Invitae), Labcorp
Classification: Uncertain significance. Last evaluated: 2022-10-12. Review status: criteria provided, single submitter. Criteria: Invitae Variant Classification Sherloc (09022015). Collection method: clinical testing. Allele origin: germline.
Comment: In summary, the available evidence is currently insufficient to determine the role of this variant in disease. Therefore, it has been classified as a Variant of Uncertain Significance. Algorithms developed to predict the effect of missense changes on protein structure and function are either unavailable or do not agree on the potential impact of this missense change (SIFT: "Tolerated"; PolyPhen-2: "Probably Damaging"; Align-GVGD: "Class C0"). This variant is present in population databases (rs763644996, gnomAD 0.0009%). This sequence change replaces phenylalanine, which is neutral and non-polar, with leucine, which is neutral and non-polar, at codon 223 of the GRXCR2 protein (p.Phe223Leu). This variant has not been reported in the literature in individuals affected with GRXCR2-related conditions.